The following is an entry in ClinVar:

NM_003661.4(APOL1):c.318T>C (p.Asn106=)

Gene: APOL1 (apolipoprotein L1; plus strand). Cytogenetic location: 22q12.3.
Variant type: single nucleotide variant.
Coding change: c.318T>C on transcript NM_003661.4 (MANE Select); coding-DNA position 318, T replaced by C.
Protein change: p.Asn106=; no amino-acid change (asparagine 106 retained).
Molecular consequence: synonymous variant.
Genome position (GRCh38, 1-based): chr22:36,265,154, T>C. VCF-style: chr22-36265154-T-C. GRCh37 (hg19) VCF-style: chr22-36661200-T-C.
Other names: c.318T>C, p.Asn106= (NM_001136540.2); c.264T>C, p.Asn88= (NM_001136541.2, NM_001362927.2); c.366T>C, p.Asn122= (NM_145343.3); c.318T>C (NM_003661.3).
Identifiers: ClinVar variation 1299830 (VCV001299830.10), dbSNP rs141898256, ClinGen allele CA10208658.
Genomic context (GRCh38, chr22:36,265,154, plus strand): 5'-AGCCACCACACCGAGCCAAAACTGCATTTCTTAATCCTTTAACCTTTCCTTGTGCAGGAA[T>C]GAGGCAGATGAGCTCCGTAAAGCTCTGGACAACCTTGCAAGACAAATGATCATGAAAGAC-3'
Protein context (NP_003652.2, residues 96-116): GFVAAAELPR[Asn106=]EADELRKALD

ClinVar aggregate classification (germline): Likely benign. Review status: criteria provided, multiple submitters, no conflicts (2 of 4 stars). 5 submissions from 5 submitters: Likely benign (2). 3 of the submissions do not count toward it. Last evaluated 2025-09-15.

Conditions:
APOL1-related disorder. Also called: APOL1-related condition.
Focal segmental glomerulosclerosis 4, susceptibility to (FSGS4). Identifiers: Orphanet 84271, MedGen C2675525, MONDO:0012931, OMIM 612551.

Allele frequency attached by ClinVar (database versions not stated): gnomAD exomes 0.00006 and 0.00016; ExAC 0.00017; 1000 Genomes Project 30x 0.00031; 1000 Genomes Project 0.00040; gnomAD 0.00062 and 0.00069; TOPMed 0.00066; ESP Exome Variant Server 0.00069.
gnomAD v4.1: 192 of 1,613,922 alleles (0.012%); highest among the groups gnomAD compares: African/African-American, 0.22%; no homozygotes.

Submissions (5):

Labcorp Genetics (formerly Invitae), Labcorp
Classification: Likely benign. Last evaluated: 2025-09-15. Review status: criteria provided, single submitter. Criteria: Invitae Variant Classification Sherloc (09022015). Collection method: clinical testing. Allele origin: germline.

Fulgent Genetics
Classification: Likely benign for Focal segmental glomerulosclerosis 4, susceptibility to. Last evaluated: 2021-08-30. Review status: criteria provided, single submitter. Criteria: ACMG Guidelines, 2015. Collection method: clinical testing. Allele origin: unknown.

PreventionGenetics, part of Exact Sciences
Classification: Likely benign for APOL1-related condition. Last evaluated: 2023-02-22. Review status: no assertion criteria provided. Collection method: clinical testing. Allele origin: germline. Not counted in ClinVar's aggregate classification.
Comment: This variant is classified as likely benign based on ACMG/AMP sequence variant interpretation guidelines (Richards et al. 2015 PMID: 25741868, with internal and published modifications).

Clinical Genetics DNA and cytogenetics Diagnostics Lab, Erasmus MC, Erasmus Medical Center
Classification: Likely benign. Review status: no assertion criteria provided. Collection method: clinical testing. Allele origin: germline. Affected: yes. Study: VKGL Data-share Consensus. Not counted in ClinVar's aggregate classification.

Genome Diagnostics Laboratory, University Medical Center Utrecht
Classification: Likely benign. Review status: no assertion criteria provided. Collection method: clinical testing. Allele origin: germline. Affected: yes. Study: VKGL Data-share Consensus. Not counted in ClinVar's aggregate classification.